The following is an entry in ClinVar:

NM_006361.6(HOXB13):c.324G>C (p.Ala108=)

Gene: HOXB13 (homeobox B13; minus strand). Cytogenetic location: 17q21.32.
Variant type: single nucleotide variant.
Coding change: c.324G>C on transcript NM_006361.6 (MANE Select); coding-DNA position 324, G replaced by C.
Protein change: p.Ala108=; no amino-acid change (alanine 108 retained).
Molecular consequence: synonymous variant.
Genome position (GRCh38, 1-based): chr17:48,728,270, C>G on the plus strand (G>C on the coding strand, the complement: HOXB13 is on the minus strand). VCF-style: chr17-48728270-C-G. GRCh37 (hg19) VCF-style: chr17-46805632-C-G.
Other names: c.324G>C (NM_006361.5).
Identifiers: ClinVar variation 1574115 (VCV001574115.10), dbSNP rs768311961, ClinGen allele CA500661912.

ClinVar aggregate classification (germline): Benign/Likely benign. Review status: criteria provided, multiple submitters, no conflicts (2 of 4 stars). 3 submissions from 3 submitters: Benign (1); Likely benign (2). Last evaluated 2025-10-16.

Conditions:
Prostate cancer, hereditary, 9 (HPC9). Identifiers: Orphanet 1331, MedGen C1970250, MONDO:0012597, OMIM 610997.
Hereditary cancer-predisposing syndrome. Also called: Hereditary Cancer Syndrome; Tumor predisposition; Neoplastic Syndromes, Hereditary; Hereditary neoplastic syndrome. Identifiers: Orphanet 140162, MedGen C0027672, MeSH D009386, MONDO:0015356.

gnomAD v4.1: 3 of 1,614,148 alleles (0.00019%); highest among the groups gnomAD compares: Non-Finnish European, 0.00017%; no homozygotes.

Submissions (3):

Ambry Genetics
Classification: Likely benign for Hereditary cancer-predisposing syndrome. Last evaluated: 2025-10-16. Review status: criteria provided, single submitter. Criteria: Ambry Variant Classification Scheme 2023. Collection method: clinical testing. Allele origin: germline.

Myriad Genetics, Inc.
Classification: Benign for Prostate cancer, hereditary, 9. Last evaluated: 2024-10-29. Review status: criteria provided, single submitter. Criteria: Myriad Autosomal Dominant, Autosomal Recessive and X-Linked Classification Criteria (2023). Collection method: clinical testing. Allele origin: unknown.
Comment: This variant is considered benign. This variant is a silent/synonymous amino acid change and it is not expected to impact splicing.

Labcorp Genetics (formerly Invitae), Labcorp
Classification: Likely benign. Last evaluated: 2021-06-08. Review status: criteria provided, single submitter. Criteria: Invitae Variant Classification Sherloc (09022015). Collection method: clinical testing. Allele origin: germline.